The following is an entry in ClinVar:

NM_001348768.2(HECW2):c.4017-2A>G

Gene: HECW2 (HECT, C2 and WW domain containing E3 ubiquitin protein ligase 2; minus strand). Cytogenetic location: 2q32.3.
Variant type: single nucleotide variant.
Coding change: c.4017-2A>G on transcript NM_001348768.2 (MANE Select); the canonical splice acceptor site of the intron before coding-DNA position 4017, A replaced by G.
Molecular consequence: splice acceptor variant.
Genome position (GRCh38, 1-based): chr2:196,222,342, T>C on the plus strand (A>G on the coding strand, the complement: HECW2 is on the minus strand). VCF-style: chr2-196222342-T-C. GRCh37 (hg19) VCF-style: chr2-197087066-T-C.
Other names: c.4017-2A>G (NM_020760.4); c.2949-2A>G (NM_001304840.3).
Identifiers: ClinVar variation 3377566 (VCV003377566.1).
Genomic context (GRCh38, chr2:196,222,342, plus strand): 5'-ACTGCAGGCTCTGATGGAACTCTTCATCAAGGTATTCTAGGTCACTCAGGTCACATAGAC[T>C]AAGATGACAAACAGACAGAAACAAATATGTAGGCATGGCTATTAGCAAAAACCCAGAGTC-3'

ClinVar aggregate classification (germline): Uncertain significance (1 of 4 stars; one submission).

Conditions:
Neurodevelopmental disorder with hypotonia, seizures, and absent language (NDHSAL). Identifiers: MedGen C4310643, MONDO:0014995, OMIM 617268.

Submission:

Neuberg Centre For Genomic Medicine, NCGM
Classification: Uncertain significance for Neurodevelopmental disorder with hypotonia, seizures, and absent language. Last evaluated: 2023-06-22. Review status: criteria provided, single submitter. Criteria: ACMG Guidelines, 2015. Collection method: clinical testing. Allele origin: germline. Inheritance: Autosomal recessive inheritance. Affected: yes.
Comment: The splice site c.4017-2A>G variant in the HECW2 gene has not been reported previously as a pathogenic variant nor as a benign variant, to our knowledge. The variant is absent in gnomAD Exomes. This splice region variant in intron 23 affects the position two nucleotides upstream of exon 24. The splice AI tool predicts the variant to be damaging. Since only one loss of function variant has been previously reported in this gene, additional studies will be required to prove the pathogenicity of this variant. For these reasons, this variant has been classified as Uncertain Significance (VUS).